The following is an entry in ClinVar:

ClinVar aggregate classification (germline): Conflicting classifications of pathogenicity. Review status: criteria provided, conflicting classifications (1 of 4 stars). 4 submissions from 4 submitters: Uncertain significance (3); Likely benign (1). Last evaluated 2025-05-12.

Conditions:
TTN-related disorder. Also called: TTN-related condition; TTN-related disease; TTN-related disorders.

Allele frequency attached by ClinVar (database versions not stated): TOPMed 0.00003; ESP Exome Variant Server 0.00008; gnomAD 0.00010; 1000 Genomes Project 0.00040; 1000 Genomes Project 30x 0.00047.
gnomAD v4.1: 90 of 1,613,916 alleles (0.0056%); highest among the groups gnomAD compares: East Asian, 0.016%; no homozygotes.

Submissions (4):

PreventionGenetics, part of Exact Sciences
Classification: Uncertain significance for TTN-related condition. Last evaluated: 2025-05-12. Review status: criteria provided, single submitter. Criteria: ACMG Guidelines, 2015. Collection method: clinical testing. Allele origin: germline.
Comment: The TTN c.103723C>T variant is predicted to result in the amino acid substitution p.Arg34575Cys. This variant has been reported as uncertain in an individual with dilated cardiomyopathy (reported as c.96019C>T, p.Arg32007Cys in transcript NM_133378 in Online Supplementary File 2, van Lint et al. 2019. PubMed ID: 30847666). This variant is reported in 0.036% of alleles in individuals of East Asian descent in gnomAD. At this time, the clinical significance of this variant is uncertain due to the absence of conclusive functional and genetic evidence.

Blueprint Genetics
Classification: Likely benign. Last evaluated: 2024-04-17. Review status: criteria provided, single submitter. Criteria: ACMG Guidelines, 2015. Collection method: clinical testing. Allele origin: germline.

Mayo Clinic Laboratories, Mayo Clinic
Classification: Uncertain significance. Last evaluated: 2024-01-09. Review status: criteria provided, single submitter. Criteria: ACMG Guidelines, 2015. Collection method: clinical testing. Allele origin: germline. Observed: 1 variant allele.

Eurofins Ntd Llc (ga)
Classification: Uncertain significance. Last evaluated: 2015-09-10. Review status: criteria provided, single submitter. Criteria: EGL Classification Definitions 2015. Collection method: clinical testing. Allele origin: germline. Observed: 1 variant allele, 1 heterozygote.

Literature cited by the submitters: PubMed 30847666 (cited by Mayo Clinic Laboratories, Mayo Clinic).

NM_001267550.2(TTN):c.103723C>T (p.Arg34575Cys)

Genes: TTN (titin; minus strand), TTN-AS1 (TTN antisense RNA 1; plus strand). Cytogenetic location: 2q31.2.
Variant type: single nucleotide variant.
Coding change: c.103723C>T on transcript NM_001267550.2 (MANE Select); coding-DNA position 103723, C replaced by T.
Protein change: p.Arg34575Cys; replaces arginine 34575 with cysteine.
Molecular consequence: missense variant.
Genome position (GRCh38, 1-based): chr2:178,532,892, G>A on the plus strand (C>T on the coding strand, the complement: TTN is on the minus strand). VCF-style: chr2-178532892-G-A. GRCh37 (hg19) VCF-style: chr2-179397619-G-A.
Other names: p.Arg32934Cys; c.98800C>T, p.Arg32934Cys (NM_001256850.1); c.76528C>T, p.Arg25510Cys (NM_003319.4); c.96019C>T, p.Arg32007Cys (NM_133378.4); c.76903C>T, p.Arg25635Cys (NM_133432.3); c.77104C>T, p.Arg25702Cys (NM_133437.4); short protein forms R32007C, R34575C, R32934C, R25635C, R25702C, R25510C.
Identifiers: ClinVar variation 283260 (VCV000283260.8), dbSNP rs190866742, ClinGen allele CA1985555.